The following is an entry in ClinVar:

NM_001004127.3(ALG11):c.802C>A (p.Leu268Ile)

Gene: ALG11 (ALG11 alpha-1,2-mannosyltransferase; plus strand). Cytogenetic location: 13q14.3.
Variant type: single nucleotide variant.
Coding change: c.802C>A on transcript NM_001004127.3 (MANE Select); coding-DNA position 802, C replaced by A.
Protein change: p.Leu268Ile; replaces leucine 268 with isoleucine.
Molecular consequence: missense variant.
Genome position (GRCh38, 1-based): chr13:52,024,532, C>A. VCF-style: chr13-52024532-C-A. GRCh37 (hg19) VCF-style: chr13-52598668-C-A.
Other names: short protein forms L268I.
Identifiers: ClinVar variation 196292 (VCV000196292.13), dbSNP rs148434423, ClinGen allele CA243199.

ClinVar aggregate classification (germline): Uncertain significance. Review status: criteria provided, multiple submitters, no conflicts (2 of 4 stars). 4 submissions from 4 submitters: Uncertain significance (3). 1 of the submissions does not count toward it. Last evaluated 2020-08-02.

Conditions:
ALG11-related disorder. Also called: ALG11-related condition.
ALG11-congenital disorder of glycosylation. Also called: CONGENITAL DISORDER OF GLYCOSYLATION, TYPE Ip; ALG11-CDG. Identifiers: Orphanet 280071, MedGen C3150913, MONDO:0013349, OMIM 613661.

Allele frequency attached by ClinVar (database versions not stated): gnomAD exomes 0.00005 and 0.00013; ExAC 0.00016; 1000 Genomes Project 0.00040; 1000 Genomes Project 30x 0.00047; gnomAD 0.00054 and 0.00058; ESP Exome Variant Server 0.00062; TOPMed 0.00066.
gnomAD v4.1: 162 of 1,614,198 alleles (0.01%); highest among the groups gnomAD compares: African/African-American, 0.2%; no homozygotes.

Submissions (4):

Revvity Omics, Revvity
Classification: Uncertain significance for ALG11-congenital disorder of glycosylation. Last evaluated: 2020-08-02. Review status: criteria provided, single submitter. Criteria: ACMG Guidelines, 2015. Collection method: clinical testing. Allele origin: germline.

Illumina Laboratory Services, Illumina
Classification: Uncertain significance for ALG11-congenital disorder of glycosylation. Last evaluated: 2018-01-13. Review status: criteria provided, single submitter. Criteria: ICSL Variant Classification Criteria 13 December 2019. Collection method: clinical testing. Allele origin: germline.

Eurofins Ntd Llc (ga)
Classification: Uncertain significance. Last evaluated: 2014-06-12. Review status: criteria provided, single submitter. Criteria: EGL Classification Definitions 2015. Collection method: clinical testing. Allele origin: germline. Observed: 1 variant allele, 1 heterozygote.

PreventionGenetics, part of Exact Sciences
Classification: Likely benign for ALG11-related condition. Last evaluated: 2022-04-29. Review status: no assertion criteria provided. Collection method: clinical testing. Allele origin: germline. Not counted in ClinVar's aggregate classification.
Comment: This variant is classified as likely benign based on ACMG/AMP sequence variant interpretation guidelines (Richards et al. 2015 PMID: 25741868, with internal and published modifications).